The following is an entry in ClinVar:

ClinVar aggregate classification (germline): Uncertain significance (1 of 4 stars; one submission).

Allele frequency attached by ClinVar (database versions not stated): gnomAD exomes below 0.00001; gnomAD 0.00001.
gnomAD v4.1: 2 of 1,614,070 alleles (0.00012%); highest among the groups gnomAD compares: African/African-American, 0.0013%; no homozygotes.

Submission:

Labcorp Genetics (formerly Invitae), Labcorp
Classification: Uncertain significance. Last evaluated: 2022-09-19. Review status: criteria provided, single submitter. Criteria: Invitae Variant Classification Sherloc (09022015). Collection method: clinical testing. Allele origin: germline.
Comment: In summary, the available evidence is currently insufficient to determine the role of this variant in disease. Therefore, it has been classified as a Variant of Uncertain Significance. Algorithms developed to predict the effect of missense changes on protein structure and function (SIFT, PolyPhen-2, Align-GVGD) all suggest that this variant is likely to be tolerated. ClinVar contains an entry for this variant (Variation ID: 1433856). This variant has not been reported in the literature in individuals affected with MCM4-related conditions. This variant is present in population databases (no rsID available, gnomAD 0.01%). This sequence change replaces glutamine, which is neutral and polar, with arginine, which is basic and polar, at codon 126 of the MCM4 protein (p.Gln126Arg).

NM_182746.3(MCM4):c.377A>G (p.Gln126Arg)

Gene: MCM4 (minichromosome maintenance complex component 4; plus strand). Cytogenetic location: 8q11.21.
Variant type: single nucleotide variant.
Coding change: c.377A>G on transcript NM_182746.3 (MANE Select); coding-DNA position 377, A replaced by G.
Protein change: p.Gln126Arg; replaces glutamine 126 with arginine.
Molecular consequence: missense variant.
Genome position (GRCh38, 1-based): chr8:47,962,194, A>G. VCF-style: chr8-47962194-A-G. GRCh37 (hg19) VCF-style: chr8-48874754-A-G.
Other names: c.377A>G, p.Gln126Arg (NM_005914.4); short protein forms Q126R.
Identifiers: ClinVar variation 1433856 (VCV001433856.8), dbSNP rs1250608473, ClinGen allele CA371145570.